The following is an entry in ClinVar:

NM_006218.4(PIK3CA):c.1964A>G (p.Lys655Arg)

Gene: PIK3CA (phosphatidylinositol-4,5-bisphosphate 3-kinase catalytic subunit alpha; plus strand). Cytogenetic location: 3q26.32.
Variant type: single nucleotide variant.
Coding change: c.1964A>G on transcript NM_006218.4 (MANE Select); coding-DNA position 1964, A replaced by G.
Protein change: p.Lys655Arg; replaces lysine 655 with arginine.
Molecular consequence: missense variant.
Genome position (GRCh38, 1-based): chr3:179,220,001, A>G. VCF-style: chr3-179220001-A-G. GRCh37 (hg19) VCF-style: chr3-178937789-A-G.
Other names: short protein forms K655R.
Identifiers: ClinVar variation 3306605 (VCV003306605.1).

ClinVar aggregate classification (germline): Uncertain significance (1 of 4 stars; one submission).

Conditions:
Inborn genetic diseases. Identifiers: MedGen C0950123, MeSH D030342.

Submission:

Ambry Genetics
Classification: Uncertain significance for Inborn genetic diseases. Last evaluated: 2024-06-22. Review status: criteria provided, single submitter. Criteria: Ambry Variant Classification Scheme 2023. Collection method: clinical testing. Allele origin: germline.
Comment: The p.K655R variant (also known as c.1964A>G), located in coding exon 12 of the PIK3CA gene, results from an A to G substitution at nucleotide position 1964. The lysine at codon 655 is replaced by arginine, an amino acid with highly similar properties. This amino acid position is conserved. In addition, the in silico prediction for this alteration is inconclusive. Based on the available evidence, the clinical significance of this variant remains unclear.